The following is an entry in ClinVar:

ClinVar aggregate classification (germline): Uncertain significance (1 of 4 stars; one submission).

Conditions:
Birt-Hogg-Dube syndrome. Also called: Birt Hogg Dubé syndrome. Identifiers: Orphanet 122, MedGen C0346010, MONDO:0800444.

Submission:

Labcorp Genetics (formerly Invitae), Labcorp
Classification: Uncertain significance for Birt-Hogg-Dube syndrome. Last evaluated: 2024-11-27. Review status: criteria provided, single submitter. Criteria: Invitae Variant Classification Sherloc (09022015). Collection method: clinical testing. Allele origin: germline.
Comment: This sequence change replaces threonine, which is neutral and polar, with asparagine, which is neutral and polar, at codon 282 of the FLCN protein (p.Thr282Asn). This variant is not present in population databases (gnomAD no frequency). This variant has not been reported in the literature in individuals affected with FLCN-related conditions. Invitae Evidence Modeling of protein sequence and biophysical properties (such as structural, functional, and spatial information, amino acid conservation, physicochemical variation, residue mobility, and thermodynamic stability) indicates that this missense variant is not expected to disrupt FLCN protein function with a negative predictive value of 80%. In summary, the available evidence is currently insufficient to determine the role of this variant in disease. Therefore, it has been classified as a Variant of Uncertain Significance.

NM_144997.7(FLCN):c.845C>A (p.Thr282Asn)

Gene: FLCN (folliculin; minus strand). Cytogenetic location: 17p11.2.
Variant type: single nucleotide variant.
Coding change: c.845C>A on transcript NM_144997.7 (MANE Select); coding-DNA position 845, C replaced by A.
Protein change: p.Thr282Asn; replaces threonine 282 with asparagine.
Molecular consequence: missense variant.
Genome position (GRCh38, 1-based): chr17:17,221,563, G>T on the plus strand (C>A on the coding strand, the complement: FLCN is on the minus strand). VCF-style: chr17-17221563-G-T. GRCh37 (hg19) VCF-style: chr17-17124877-G-T.
Other names: c.899C>A, p.Thr300Asn (NM_001353229.2); c.845C>A, p.Thr282Asn (NM_001353230.2, NM_001353231.2, NM_144606.7); short protein forms T282N, T300N.
Identifiers: ClinVar variation 3666434 (VCV003666434.2).
Genomic context (GRCh38, chr17:17,221,563, plus strand): 5'-GGCCAAGGCCCCGGCAACAGCACCCCTGCCTCACCAGCGAGCTTCTCCATCTGGACCAAG[G>T]TATCCTCGGTCGGAGCACCTTCCAGGAGCTTCTCGGTCAGCCGGCTGCCACACGCCTTCA-3'
Protein context (NP_659434.2, residues 272-292): KLLEGAPTED[Thr282Asn]LVQMEKLADL